The following is an entry in ClinVar:

ClinVar aggregate classification (germline): Conflicting classifications of pathogenicity. Review status: criteria provided, conflicting classifications (1 of 4 stars). 4 submissions from 4 submitters: Uncertain significance (1); Likely benign (2). 1 of the submissions does not count toward it. Last evaluated 2025-05-26.

Conditions:
Ellis-van Creveld syndrome (EVC). Also called: MESOECTODERMAL DYSPLASIA; EVC2-Related Ellis-van Creveld Syndrome; EVC-Related Ellis-van Creveld Syndrome; Chondroectodermal dysplasia. Identifiers: Orphanet 289, MedGen C0013903, MONDO:0009162, OMIM 225500.
Curry-Hall syndrome (WAD). Also called: WEYERS ACRODENTAL DYSOSTOSIS. Identifiers: Orphanet 952, MedGen C0457013, MONDO:0008673, OMIM 193530.

Allele frequency attached by ClinVar (database versions not stated): gnomAD 0.00006; TOPMed 0.00006.
gnomAD v4.1: 62 of 890,556 alleles (0.007%); highest among the groups gnomAD compares: Non-Finnish European, 0.01%; no homozygotes.

Submissions (4):

Labcorp Genetics (formerly Invitae), Labcorp
Classification: Likely benign for Curry-Hall syndrome; Ellis-van Creveld syndrome. Last evaluated: 2025-05-26. Review status: criteria provided, single submitter. Criteria: Invitae Variant Classification Sherloc (09022015). Collection method: clinical testing. Allele origin: germline.

Women's Health and Genetics/Laboratory Corporation of America, LabCorp
Classification: Likely benign. Last evaluated: 2024-12-11. Review status: criteria provided, single submitter. Criteria: LabCorp Variant Classification Summary - May 2015. Collection method: clinical testing. Allele origin: germline.

ARUP Laboratories, Molecular Genetics and Genomics, ARUP Laboratories
Classification: Uncertain significance. Last evaluated: 2019-05-03. Review status: criteria provided, single submitter. Criteria: ARUP Molecular Germline Variant Investigation Process. Collection method: clinical testing. Allele origin: germline.
Comment: The EVC c.940-150T>C variant (rs576076928) is reported in the literature in at least one individual affected with Ellis-van Creveld syndrome who carried a second pathogenic variant on the opposite chromosome (Valencia 2009). This variant is only observed on two alleles in the Genome Aggregation Database, indicating it is not a common polymorphism. This is an intronic variant in a weakly conserved nucleotide, and computational analyses (Alamut v.2.11) predict that this variant may impact splicing by creating a novel cryptic donor splice site. In vitro functional analyses demonstrate altered splicing through incorporation of part of intron 7 (Valencia 2009). However, given the limited amount of clinical and functional data, the significance of the c.940-150T>C variant is uncertain at this time. References: Valencia M et al. Widening the mutation spectrum of EVC and EVC2: ectopic expression of Weyer variants in NIH 3T3 fibroblasts disrupts Hedgehog signaling. Hum Mutat. 2009 Dec;30(12):1667-75.

Natera, Inc.
Classification: Uncertain significance for Ellis-van Creveld syndrome. Last evaluated: 2020-09-16. Review status: no assertion criteria provided. Collection method: clinical testing. Allele origin: germline. Not counted in ClinVar's aggregate classification.

NM_153717.3(EVC):c.940-150T>C

Gene: EVC (EvC ciliary complex subunit 1; plus strand). Cytogenetic location: 4p16.2.
Variant type: single nucleotide variant.
Coding change: c.940-150T>C on transcript NM_153717.3 (MANE Select); 150 bases into the intron before coding-DNA position 940, T replaced by C.
Molecular consequence: intron variant.
Genome position (GRCh38, 1-based): chr4:5,747,998, T>C. VCF-style: chr4-5747998-T-C. GRCh37 (hg19) VCF-style: chr4-5749725-T-C.
Other names: c.940-150T>C (NM_001306090.2, NM_001306092.2, NM_153717.2).
Identifiers: ClinVar variation 812007 (VCV000812007.19), dbSNP rs576076928, ClinGen allele CA91735329.